The following is an entry in ClinVar:

ClinVar aggregate classification (germline): Uncertain significance (1 of 4 stars; one submission).

gnomAD v4.1: 6 of 1,211,862 alleles (0.0005%); highest among the groups gnomAD compares: Non-Finnish European, 0.00067%; no homozygotes.

Submission:

GeneDx
Classification: Uncertain significance. Last evaluated: 2025-08-11. Review status: criteria provided, single submitter. Criteria: GeneDx Variant Classification Process June 2021. Collection method: clinical testing. Allele origin: germline. Affected: yes.
Comment: Not observed at significant frequency in large population cohorts (gnomAD); In silico analysis supports that this missense variant has a deleterious effect on protein structure/function; Has not been previously published as pathogenic or benign to our knowledge

NM_003179.3(SYP):c.346C>G (p.Leu116Val)

Gene: SYP (synaptophysin; minus strand). Cytogenetic location: Xp11.23.
Variant type: single nucleotide variant.
Coding change: c.346C>G on transcript NM_003179.3 (MANE Select); coding-DNA position 346, C replaced by G.
Protein change: p.Leu116Val; replaces leucine 116 with valine.
Molecular consequence: missense variant.
Genome position (GRCh38, 1-based): chrX:49,194,243, G>C on the plus strand (C>G on the coding strand, the complement: SYP is on the minus strand). VCF-style: chrX-49194243-G-C. GRCh37 (hg19) VCF-style: chrX-49050700-G-C.
Other names: short protein forms L116V.
Identifiers: ClinVar variation 4795759 (VCV004795759.1).